The following is an entry in ClinVar:

ClinVar aggregate classification (germline): Benign. Review status: criteria provided, multiple submitters, no conflicts (2 of 4 stars). 3 submissions from 3 submitters: Benign (3). Last evaluated 2026-06-01.

Conditions:
Androgen resistance syndrome (AIS). Also called: Androgen insensitivity syndrome due to coactivator deficiency; ANDROGEN RECEPTOR DEFICIENCY; DIHYDROTESTOSTERONE RECEPTOR DEFICIENCY; TESTICULAR FEMINIZATION SYNDROME; Androgen insensitivity; DHTR DEFICIENCY. Identifiers: Orphanet 754, Orphanet 99429, MedGen C0039585, MONDO:0019154, OMIM 300068. Disease mechanism: loss of function.
Kennedy disease (SMAX1). Also called: Spinal and Bulbar Muscular Atrophy; KENNEDY SPINAL AND BULBAR MUSCULAR ATROPHY; SPINAL AND BULBAR MUSCULAR ATROPHY, X-LINKED 1. Identifiers: Orphanet 481, MedGen C1839259, MONDO:0010735, OMIM 313200.

Submissions (3):

CeGaT Center for Human Genetics Tuebingen
Classification: Benign. Last evaluated: 2026-06-01. Review status: criteria provided, single submitter. Criteria: CeGaT Center For Human Genetics Tuebingen Variant Classification Criteria Version 2. Collection method: clinical testing. Allele origin: germline. Affected: yes. Observed: 8 variant alleles.
Comment: AR: BS1, BS2

Labcorp Genetics (formerly Invitae), Labcorp
Classification: Benign for Kennedy disease; Androgen resistance syndrome. Last evaluated: 2026-01-14. Review status: criteria provided, single submitter. Criteria: Invitae Variant Classification Sherloc (09022015). Collection method: clinical testing. Allele origin: germline.

Genetic Services Laboratory, University of Chicago
Classification: Benign. Last evaluated: 2018-04-09. Review status: criteria provided, single submitter. Criteria: ACMG Guidelines, 2015. Collection method: clinical testing. Allele origin: germline. Affected: no.

NM_000044.6(AR):c.1370GCG[10] (p.Gly467_Gly473del)

Gene: AR (androgen receptor; plus strand). Cytogenetic location: Xq12.
Variant type: Microsatellite.
Coding change: c.1370GCG[10] on transcript NM_000044.6 (MANE Select); ten copies in a row of the 3-base unit GCG starting at c.1370; the reference has 17 copies in a row; seven copies, 21 bases deleted.
Protein change: p.Gly467_Gly473del.
Molecular consequence: inframe deletion. On other transcripts: 5 prime UTR variant (1).
Genome position (GRCh38, 1-based): chrX:67,546,546-67,546,566, GCGGCGGCGGCGGCGGCGGCG deleted; deleting any 21 consecutive bases within chrX:67,546,515-67,546,566 gives the same sequence; the position shown is the placement nearest the transcript's 3' end. VCF-style (leftmost placement, unchanged base first): chrX-67546514-TGGCGGCGGCGGCGGCGGCGGC-T. GRCh37 (hg19) VCF-style: chrX-66766356-TGGCGGCGGCGGCGGCGGCGGC-T.
Other names: c.-414GCG[10] (NM_001011645.3); c.1370GCG[10], p.Gly467_Gly473del (NM_001348061.1, NM_001348063.1, NM_001348064.1).
Identifiers: ClinVar variation 1166508 (VCV001166508.38), dbSNP rs746853821, ClinGen allele CA10436428.
Genomic context (GRCh38, chrX:67,546,514, plus strand): 5'-CACTCTCTTCACAGCCGAAGAAGGCCAGTTGTATGGACCGTGTGGTGGTGGTGGGGGTGG[TGGCGGCGGCGGCGGCGGCGGC>T]GGCGGCGGCGGCGGCGGCGGCGGCGGCGGCGAGGCGGGAGCTGTAGCCCCCTACGGCTAC-3'